The following is an entry in ClinVar:

NM_001111125.3(IQSEC2):c.3632G>A (p.Ser1211Asn)

Gene: IQSEC2 (IQ motif and Sec7 domain ArfGEF 2; minus strand). Cytogenetic location: Xp11.22.
Variant type: single nucleotide variant.
Coding change: c.3632G>A on transcript NM_001111125.3 (MANE Select); coding-DNA position 3632, G replaced by A.
Protein change: p.Ser1211Asn; replaces serine 1211 with asparagine.
Molecular consequence: missense variant. On other transcripts: 3 prime UTR variant (2).
Genome position (GRCh38, 1-based): chrX:53,235,054, C>T on the plus strand (G>A on the coding strand, the complement: IQSEC2 is on the minus strand). VCF-style: chrX-53235054-C-T. GRCh37 (hg19) VCF-style: chrX-53264236-C-T.
Other names: c.*117G>A (NM_001410736.1, NM_015075.2); short protein forms S1211N.
Identifiers: ClinVar variation 3633142 (VCV003633142.2).

ClinVar aggregate classification (germline): Uncertain significance (1 of 4 stars; one submission).

Conditions:
Intellectual developmental disorder, X-linked 1. Also called: Atkin Flaitz Patil Smith syndrome; MENTAL RETARDATION, X-LINKED 18; MENTAL RETARDATION, X-LINKED 78; Intellectual disability, X-linked 1. Identifiers: Orphanet 777, MedGen C2931498, MONDO:0010656, OMIM 309530.

Submission:

Labcorp Genetics (formerly Invitae), Labcorp
Classification: Uncertain significance for Intellectual developmental disorder, X-linked 1. Last evaluated: 2024-03-26. Review status: criteria provided, single submitter. Criteria: Invitae Variant Classification Sherloc (09022015). Collection method: clinical testing. Allele origin: germline.
Comment: This sequence change replaces serine, which is neutral and polar, with asparagine, which is neutral and polar, at codon 1211 of the IQSEC2 protein (p.Ser1211Asn). This variant is not present in population databases (gnomAD no frequency). This variant has not been reported in the literature in individuals affected with IQSEC2-related conditions. Advanced modeling of protein sequence and biophysical properties (such as structural, functional, and spatial information, amino acid conservation, physicochemical variation, residue mobility, and thermodynamic stability) performed at Invitae indicates that this missense variant is not expected to disrupt IQSEC2 protein function with a negative predictive value of 95%. In summary, the available evidence is currently insufficient to determine the role of this variant in disease. Therefore, it has been classified as a Variant of Uncertain Significance.